The following is an entry in ClinVar:

NM_004318.4(ASPH):c.480C>T (p.His160=)

Gene: ASPH (aspartate beta-hydroxylase; minus strand). Cytogenetic location: 8q12.3.
Variant type: single nucleotide variant.
Coding change: c.480C>T on transcript NM_004318.4 (MANE Select); coding-DNA position 480, C replaced by T.
Protein change: p.His160=; no amino-acid change (histidine 160 retained).
Molecular consequence: synonymous variant. On other transcripts: intron variant (8).
Genome position (GRCh38, 1-based): chr8:61,651,060, G>A on the plus strand (C>T on the coding strand, the complement: ASPH is on the minus strand). VCF-style: chr8-61651060-G-A. GRCh37 (hg19) VCF-style: chr8-62563619-G-A.
Other names: c.393C>T, p.His131= (NM_001164750.2, NM_001413903.1, NM_001413904.1 and 4 more transcripts); c.438C>T, p.His146= (NM_001164751.2, NM_001164752.2, NM_001164753.2 and 3 more transcripts); c.480C>T, p.His160= (NM_001164754.2, NM_001164755.2, NM_001413844.1 and 39 more transcripts); c.525C>T, p.His175= (NM_001413845.1, NM_001413846.1, NM_001413848.1 and 7 more transcripts); c.322+29908C>T (NM_001413901.1, NM_001413909.1); c.415+2508C>T (NM_001413895.1, NM_001413894.1, NM_001413884.1 and 3 more transcripts).
Identifiers: ClinVar variation 3058214 (VCV003058214.2), dbSNP rs759403041, ClinGen allele CA4762242.
Genomic context (GRCh38, chr8:61,651,060, plus strand): 5'-CTAAGCGTTATTTTAGTAACTCAAAACAAAGAGCAGATTTTAATTCATACCATGTTCTGC[G>A]TGTACCATTTCATGGAGAAGGGACTGAATTTGTTCTTTTGCTTCATCTTCGATATTCTGG-3'
Protein context (NP_004309.2, residues 150-170): QIQSLLHEMV[His160=]AEHVEGEDLQ

ClinVar aggregate classification (germline): Likely benign (0 of 4 stars; one submission).

Conditions:
ASPH-related disorder. Also called: ASPH-related condition.

Allele frequency attached by ClinVar (database versions not stated): gnomAD exomes 0.00004; ExAC 0.00006; gnomAD 0.00010; TOPMed 0.00010.
gnomAD v4.1: 77 of 1,612,840 alleles (0.0048%); highest among the groups gnomAD compares: Admixed American, 0.022%; no homozygotes.

Submission:

PreventionGenetics, part of Exact Sciences
Classification: Likely benign for ASPH-related condition. Last evaluated: 2019-03-20. Review status: no assertion criteria provided. Collection method: clinical testing. Allele origin: germline.
Comment: This variant is classified as likely benign based on ACMG/AMP sequence variant interpretation guidelines (Richards et al. 2015 PMID: 25741868, with internal and published modifications).